The following is an entry in ClinVar:

ClinVar aggregate classification (germline): Uncertain significance (1 of 4 stars; one submission).

Conditions:
Peroxisome biogenesis disorder, complementation group 7 (CG7). Also called: Peroxisome biogenesis disorder, complementation group B. Identifiers: MedGen C1864399.

gnomAD v4.1: 30 of 1,608,776 alleles (0.0019%); highest among the groups gnomAD compares: South Asian, 0.0055%; no homozygotes.

Submission:

Labcorp Genetics (formerly Invitae), Labcorp
Classification: Uncertain significance for Peroxisome biogenesis disorder, complementation group 7. Last evaluated: 2025-12-08. Review status: criteria provided, single submitter. Criteria: Invitae Variant Classification Sherloc (09022015). Collection method: clinical testing. Allele origin: germline.
Comment: This sequence change replaces arginine, which is basic and polar, with cysteine, which is neutral and slightly polar, at codon 278 of the PEX10 protein (p.Arg278Cys). This variant is present in population databases (rs760632208, gnomAD 0.02%). This variant has not been reported in the literature in individuals affected with PEX10-related conditions. ClinVar contains an entry for this variant (Variation ID: 2180395). An algorithm developed to predict the effect of missense changes on protein structure and function (PolyPhen-2) suggests that this variant is likely to be tolerated. In summary, the available evidence is currently insufficient to determine the role of this variant in disease. Therefore, it has been classified as a Variant of Uncertain Significance.

NM_002617.4(PEX10):c.772C>T (p.Arg258Cys)

Gene: PEX10 (peroxisomal biogenesis factor 10; minus strand). Cytogenetic location: 1p36.32.
Variant type: single nucleotide variant.
Coding change: c.772C>T on transcript NM_002617.4 (MANE Select); coding-DNA position 772, C replaced by T.
Protein change: p.Arg258Cys; replaces arginine 258 with cysteine.
Molecular consequence: missense variant. On other transcripts: non-coding transcript variant (1).
Genome position (GRCh38, 1-based): chr1:2,406,724, G>A on the plus strand (C>T on the coding strand, the complement: PEX10 is on the minus strand). VCF-style: chr1-2406724-G-A. GRCh37 (hg19) VCF-style: chr1-2338163-G-A.
Other names: c.829C>T, p.Arg277Cys (NM_001374425.1); c.397C>T, p.Arg133Cys (NM_001374426.1); c.340C>T, p.Arg114Cys (NM_001374427.1); c.832C>T, p.Arg278Cys (NM_153818.2); short protein forms R114C, R133C, R278C, R277C, R258C.
Identifiers: ClinVar variation 2180395 (VCV002180395.2), dbSNP rs760632208, ClinGen allele CA538039.